The following is an entry in ClinVar:

NM_020458.4(TTC7A):c.1576C>T (p.Gln526Ter)

Gene: TTC7A (tetratricopeptide repeat domain 7A; plus strand). Cytogenetic location: 2p21.
Variant type: single nucleotide variant.
Coding change: c.1576C>T on transcript NM_020458.4 (MANE Select); coding-DNA position 1576, C replaced by T.
Protein change: p.Gln526Ter; replaces glutamine 526 with a stop codon.
Molecular consequence: nonsense.
Genome position (GRCh38, 1-based): chr2:47,024,294, C>T. VCF-style: chr2-47024294-C-T. GRCh37 (hg19) VCF-style: chr2-47251433-C-T.
Other names: c.1576C>T, p.Gln526Ter (LRG_1323t1, NM_001288951.2); c.1474C>T, p.Gln492Ter (NM_001288953.2); c.514C>T, p.Gln172Ter (NM_001288955.2); short protein forms Q526*, Q492*, Q172*.
Identifiers: ClinVar variation 190393 (VCV000190393.16), dbSNP rs786205698, ClinGen allele CA199687.

ClinVar aggregate classification (germline): Pathogenic. Review status: criteria provided, multiple submitters, no conflicts (2 of 4 stars). 3 submissions from 3 submitters: Pathogenic (2). 1 of the submissions does not count toward it. Last evaluated 2024-07-05.

Conditions:
Gastrointestinal defects and immunodeficiency syndrome 1 (GIDID1). Also called: Combined immunodeficiency-enteropathy spectrum. Identifiers: Orphanet 436252, MedGen C5968858, MONDO:0800030, OMIM 243150.
Multiple gastrointestinal atresias. Also called: Multiple intestinal atresia; FAMILIAL INTESTINAL POLYATRESIA SYNDROME. Identifiers: Orphanet 2300, MedGen C0220744, MONDO:0009465.

Allele frequency attached by ClinVar (database versions not stated): gnomAD exomes below 0.00001; TOPMed below 0.00001.
gnomAD v4.1: 1 of 1,606,364 alleles (0.000062%); highest among the groups gnomAD compares: Admixed American, 0.0017%; no homozygotes.

Submissions (3):

Aleixo Muise Laboratory, Hospital For Sick Children
Classification: Pathogenic for Gastrointestinal defects and immunodeficiency syndrome 1. Last evaluated: 2024-07-05. Review status: criteria provided, single submitter. Criteria: ACMG Guidelines, 2015. Collection method: research. Allele origin: inherited. Affected: yes. Observed: 1 variant allele.
Comment: PVS1;PM2;PM3;PP3;PP4

Labcorp Genetics (formerly Invitae), Labcorp
Classification: Pathogenic for Multiple gastrointestinal atresias. Last evaluated: 2022-09-24. Review status: criteria provided, single submitter. Criteria: Invitae Variant Classification Sherloc (09022015). Collection method: clinical testing. Allele origin: germline.
Comment: This sequence change creates a premature translational stop signal (p.Gln526*) in the TTC7A gene. It is expected to result in an absent or disrupted protein product. Loss-of-function variants in TTC7A are known to be pathogenic (PMID: 23830146, 24292712). This variant is present in population databases (rs786205698, gnomAD 0.003%). This premature translational stop signal has been observed in individual(s) with very early onset inflammatory bowel disease (PMID: 24417819). ClinVar contains an entry for this variant (Variation ID: 190393). For these reasons, this variant has been classified as Pathogenic.

OMIM
Classification: Pathogenic for GASTROINTESTINAL DEFECTS AND IMMUNODEFICIENCY SYNDROME 1. Last evaluated: 2014-04-01. Review status: no assertion criteria provided. Collection method: literature only. Allele origin: germline. Not counted in ClinVar's aggregate classification.

Literature cited by the submitters: PubMed 23830146 (cited by Labcorp Genetics (formerly Invitae), Labcorp); PubMed 24292712 (cited by Labcorp Genetics (formerly Invitae), Labcorp); PubMed 24417819 (cited by Labcorp Genetics (formerly Invitae), Labcorp and OMIM).